The following is an entry in ClinVar:

ClinVar aggregate classification (germline): Pathogenic (1 of 4 stars; one submission).

Conditions:
Autosomal dominant nonsyndromic hearing loss 65. Also called: Deafness, autosomal dominant 65; TBC1D24-Related Autosomal Dominant Nonsyndromic Hearing Loss (DFNA). Identifiers: Orphanet 90635, MedGen C3892048, MONDO:0014470, OMIM 616044.
Developmental and epileptic encephalopathy, 1 (DEE1). Also called: INFANTILE SPASM SYNDROME, X-LINKED 1; X-linked infantile spasms; West's syndrome; Tonic spasms with clustering, arrest of psychomotor development and hypsarrhythmia on EEG; X-Linked Infantile Spasm Syndrome; OHTAHARA SYNDROME, X-LINKED. Identifiers: MedGen C3463992, MONDO:0010632, OMIM 308350. Disease mechanism: loss of function.

Allele frequency attached by ClinVar (database versions not stated): gnomAD exomes 0.00004.

Submission:

Labcorp Genetics (formerly Invitae), Labcorp
Classification: Pathogenic for Developmental and epileptic encephalopathy, 1; Autosomal dominant nonsyndromic hearing loss 65. Last evaluated: 2023-09-10. Review status: criteria provided, single submitter. Criteria: Invitae Variant Classification Sherloc (09022015). Collection method: clinical testing. Allele origin: germline.
Comment: This sequence change creates a premature translational stop signal (p.Arg360Alafs*87) in the TBC1D24 gene. It is expected to result in an absent or disrupted protein product. Loss-of-function variants in TBC1D24 are known to be pathogenic (PMID: 23526554, 24291220). For these reasons, this variant has been classified as Pathogenic. This variant has not been reported in the literature in individuals affected with TBC1D24-related conditions. This variant is not present in population databases (gnomAD no frequency).

Literature cited by the submitters: PubMed 23526554; PubMed 24291220.

NM_001199107.2(TBC1D24):c.1078del (p.Arg360fs)

Gene: TBC1D24 (TBC1 domain family member 24; plus strand). Cytogenetic location: 16p13.3.
Variant type: Deletion.
Coding change: c.1078del on transcript NM_001199107.2 (MANE Select); coding-DNA position 1078, one base deleted (C; older notation c.1078delC).
Protein change: p.Arg360fs; shifts the reading frame from arginine 360.
Molecular consequence: frameshift variant.
Genome position (GRCh38, 1-based): chr16:2,498,332, C deleted. VCF-style (leftmost placement, unchanged base first): chr16-2498331-GC-G. GRCh37 (hg19) VCF-style: chr16-2548332-GC-G.
Other names: c.1060del, p.Arg354fs (NM_020705.3); short protein forms R360fs, R354fs.
Identifiers: ClinVar variation 2938575 (VCV002938575.3), dbSNP rs2505520507, ClinGen allele CA2575884163.